The following is an entry in ClinVar:

NM_001110556.2(FLNA):c.7671del (p.Ser2558fs)

Genes: FLNA (filamin A; minus strand), LOC107988032 (Xq28 proximal FLNA-EMD recombination region; plus strand). Cytogenetic location: Xq28.
Variant type: Deletion.
Coding change: c.7671del on transcript NM_001110556.2 (MANE Select); coding-DNA position 7671, one base deleted (C; older notation c.7671delC).
Protein change: p.Ser2558fs; shifts the reading frame from serine 2558.
Molecular consequence: frameshift variant.
Genome position (GRCh38, 1-based): chrX:154,349,447, G deleted on the plus strand (C on the coding strand, the reverse complement: FLNA is on the minus strand); the first of 2 consecutive G bases (chrX:154,349,447-154,349,448); deleting either gives the same sequence. VCF-style (leftmost placement, unchanged base first): chrX-154349446-TG-T. GRCh37 (hg19) VCF-style: chrX-153577814-TG-T.
Other names: p.Ser2558Alafs*10; c.7647del, p.Ser2550fs (NM_001456.4); short protein forms S2550fs, S2558fs.
Identifiers: ClinVar variation 1341468 (VCV001341468.2), dbSNP rs2148100379, ClinGen allele CA2573055154.

ClinVar aggregate classification (germline): Pathogenic (1 of 4 stars; one submission).

Conditions:
Patent foramen ovale. Identifiers: MedGen C0016522, MONDO:0020439, HP:0001655.
Dysplastic corpus callosum. Identifiers: MedGen C0431369, HP:0006989.
Patent ductus arteriosus. Identifiers: MedGen C0013274, MONDO:0011827, HP:0001643.

Submission:

Petrovsky National Research Centre of Surgery, The Federal Agency for Scientific Organizations
Classification: Pathogenic for Patent ductus arteriosus; Patent foramen ovale; Dysplastic corpus callosum. Last evaluated: 2021-07-20. Review status: criteria provided, single submitter. Criteria: ACMG Guidelines, 2015. Collection method: clinical testing. Allele origin: de novo. Inheritance: X-linked inheritance. Affected: yes. Observed: 1 heterozygote.
Comment: Intellectual development was normal. This variant is not present in databases (gnomAD, LOVD). It is expected to result in an absent or disrupted protein product. Mutations in the FLNA gene (*300017) are known to be causative for wide spectrum of developmental defects such as familial cardiac valvular dystrophy (MIM: 314400), Frontometaphyseal dysplasia 1 (MIM: 305620), Congenital short bowel syndrome (MIM: 300048), Heterotopia, periventricular, 1 (300049), Melnick-Needles syndrome (309350), Otopalatodigital syndrome, type I, II (311300, 304120) with X-linked dominant and X-linked recessive inheritance. Based on the ACMG2015 criteria, we consider the c.7671del variant as Pathogenic.

Literature cited by the submitters: DOI 10.24110/0031-403X-2022-101-1-202-208.